The following is an entry in ClinVar:

NM_138576.4(BCL11B):c.1097G>A (p.Arg366Gln)

Gene: BCL11B (BCL11 transcription factor B; minus strand). Cytogenetic location: 14q32.2.
Variant type: single nucleotide variant.
Coding change: c.1097G>A on transcript NM_138576.4 (MANE Select); coding-DNA position 1097, G replaced by A.
Protein change: p.Arg366Gln; replaces arginine 366 with glutamine.
Molecular consequence: missense variant.
Genome position (GRCh38, 1-based): chr14:99,175,739, C>T on the plus strand (G>A on the coding strand, the complement: BCL11B is on the minus strand). VCF-style: chr14-99175739-C-T. GRCh37 (hg19) VCF-style: chr14-99642076-C-T.
Other names: c.1094G>A, p.Arg365Gln (NM_001282237.2); c.881G>A, p.Arg294Gln (NM_001282238.2); c.884G>A, p.Arg295Gln (NM_022898.3); short protein forms R366Q, R365Q, R295Q, R294Q.
Identifiers: ClinVar variation 560230 (VCV000560230.6), dbSNP rs1566794698, ClinGen allele CA390936114.

ClinVar aggregate classification (germline): Conflicting classifications of pathogenicity. Review status: criteria provided, conflicting classifications (1 of 4 stars). 2 submissions from 2 submitters: Likely pathogenic (1); Uncertain significance (1). Last evaluated 2019-05-08.

Submissions (2):

GeneDx
Classification: Likely pathogenic. Last evaluated: 2019-05-08. Review status: criteria provided, single submitter. Criteria: GeneDx Variant Classification Process June 2021. Collection method: clinical testing. Allele origin: germline. Affected: yes.
Comment: In silico analysis, which includes protein predictors and evolutionary conservation, supports a deleterious effect; Has not been previously published as pathogenic or benign to our knowledge; Not observed in large population cohorts (Lek et al., 2016); This variant is associated with the following publications: (PMID: 23015591, 24739528, 26176759, 26915960, 27959755, 18199763)

Geisinger Autism and Developmental Medicine Institute, Geisinger Health System
Classification: Uncertain significance. Last evaluated: 2017-10-25. Review status: criteria provided, single submitter. Criteria: ACMG Guidelines, 2015. Collection method: provider interpretation, clinical testing. Allele origin: de novo. Observed: 1 variant allele.
Comment: This heterozygous c.1097G>A variant in BCL11B was identified to be de novo. The c.1097G>A variant is absent from population databases. Computational models predict the variant to be probably damaging to the protein structure/function. At the time of the lab report, no known human disorders had been clearly associated with this gene. The gene is thought to play a role in development of the immune, nervous, and cutaneous systems (PMID:26176759; PMID:23015591). In the nervous system the gene may specifically be involved in formation and integrity of the corpus callosum, striatum, and hippocampus (PMID:18199763; PMID:24739528; PMID:26915960). The BCL11B gene is constrained for loss of function and missense variation. A heterozygous, de novo missense variant has been identified in an individual with severe combined immune deficiency, craniofacial abnormalities, absent corpus callosum, hypotonia, wormian skull bones, and pulmonary stenosis (PMID 27959755). Subsequent functional studies in that child confirmed BCL11B plays a role in hematopoietic progenitors and that this variant provided an explanation for the child's SCID (PMID:27959755).

Literature cited by the submitters: PubMed 26176759 (cited by Geisinger Autism and Developmental Medicine Institute, Geisinger Health System); PubMed 23015591 (cited by Geisinger Autism and Developmental Medicine Institute, Geisinger Health System); PubMed 18199763 (cited by Geisinger Autism and Developmental Medicine Institute, Geisinger Health System); PubMed 24739528 (cited by Geisinger Autism and Developmental Medicine Institute, Geisinger Health System); PubMed 26915960 (cited by Geisinger Autism and Developmental Medicine Institute, Geisinger Health System); PubMed 27959755 (cited by Geisinger Autism and Developmental Medicine Institute, Geisinger Health System).